The following is an entry in ClinVar:

ClinVar aggregate classification (germline): Uncertain significance (1 of 4 stars; one submission).

gnomAD v4.1: 2 of 1,441,206 alleles (0.00014%); highest among the groups gnomAD compares: African/African-American, 0.003%; no homozygotes.

Submission:

Labcorp Genetics (formerly Invitae), Labcorp
Classification: Uncertain significance. Last evaluated: 2025-12-08. Review status: criteria provided, single submitter. Criteria: Invitae Variant Classification Sherloc (09022015). Collection method: clinical testing. Allele origin: germline.
Comment: This sequence change replaces proline, which is neutral and non-polar, with leucine, which is neutral and non-polar, at codon 252 of the ARID1A protein (p.Pro252Leu). This variant is not present in population databases (gnomAD no frequency). This variant has not been reported in the literature in individuals affected with ARID1A-related conditions. ClinVar contains an entry for this variant (Variation ID: 3698578). Invitae Evidence Modeling of protein sequence and biophysical properties (such as structural, functional, and spatial information, amino acid conservation, physicochemical variation, residue mobility, and thermodynamic stability) indicates that this missense variant is not expected to disrupt ARID1A protein function with a negative predictive value of 95%. In summary, the available evidence is currently insufficient to determine the role of this variant in disease. Therefore, it has been classified as a Variant of Uncertain Significance.

NM_006015.6(ARID1A):c.755C>T (p.Pro252Leu)

Genes: ARID1A (AT-rich interaction domain 1A; plus strand), LOC129929837 (ATAC-STARR-seq lymphoblastoid silent region 489; plus strand). Cytogenetic location: 1p36.11.
Variant type: single nucleotide variant.
Coding change: c.755C>T on transcript NM_006015.6 (MANE Select); coding-DNA position 755, C replaced by T.
Protein change: p.Pro252Leu; replaces proline 252 with leucine.
Molecular consequence: missense variant.
Genome position (GRCh38, 1-based): chr1:26,697,158, C>T. VCF-style: chr1-26697158-C-T. GRCh37 (hg19) VCF-style: chr1-27023649-C-T.
Other names: c.755C>T, p.Pro252Leu (NM_139135.4); short protein forms P252L.
Identifiers: ClinVar variation 3698578 (VCV003698578.2).